The following is an entry in ClinVar:

ClinVar aggregate classification (germline): Likely pathogenic (1 of 4 stars; one submission).

Submission:

Mayo Clinic Laboratories, Mayo Clinic
Classification: Likely pathogenic. Last evaluated: 2024-07-16. Review status: criteria provided, single submitter. Criteria: ACMG Guidelines, 2015. Collection method: clinical testing. Allele origin: germline. Observed: 2 variant alleles.
Comment: PM2, PVS1

NM_001042492.3(NF1):c.6507del (p.Val2170fs)

Gene: NF1 (neurofibromin 1; plus strand). Cytogenetic location: 17q11.2.
Variant type: Deletion.
Coding change: c.6507del on transcript NM_001042492.3 (MANE Select); coding-DNA position 6507, one base deleted (A; older notation c.6507delA).
Protein change: p.Val2170fs; shifts the reading frame from valine 2170.
Molecular consequence: frameshift variant.
Genome position (GRCh38, 1-based): chr17:31,337,447, A deleted; the last of 3 consecutive A bases (chr17:31,337,445-31,337,447); deleting any one gives the same sequence. VCF-style (leftmost placement, unchanged base first): chr17-31337444-CA-C. GRCh37 (hg19) VCF-style: chr17-29664462-CA-C.
Other names: p.Val2149Serfs*30; c.6444delA, p.Val2149Serfs (NM_000267.4); short protein forms V2149fs, V2170fs.
Identifiers: ClinVar variation 3381160 (VCV003381160.1).